The following is an entry in ClinVar:

ClinVar aggregate classification (germline): Uncertain significance. Review status: criteria provided, multiple submitters, no conflicts (2 of 4 stars). 7 submissions from 7 submitters: Uncertain significance (7). Last evaluated 2025-11-17.

Conditions:
Hereditary cancer-predisposing syndrome. Also called: Hereditary neoplastic syndrome; Hereditary Cancer Syndrome; Tumor predisposition; Neoplastic Syndromes, Hereditary. Identifiers: Orphanet 140162, MedGen C0027672, MeSH D009386, MONDO:0015356.
Hereditary pheochromocytoma and paraganglioma. Also called: Hereditary paragangliomas and pheochromocytomas; Hereditary pheochromocytoma-paraganglioma; Hereditary Paraganglioma-Pheochromocytoma Syndromes. Identifiers: Orphanet 29072, MedGen C4274332, MONDO:0017366.
Pheochromocytoma. Also called: MAX-Related Hereditary Paraganglioma-Pheochromocytoma Syndrome. Identifiers: Orphanet 29072, MedGen C0031511, MONDO:0008233, OMIM 171300, HP:0002666.

Allele frequency attached by ClinVar (database versions not stated): TOPMed 0.00001; ExAC 0.00003; gnomAD exomes 0.00003.
gnomAD v4.1: 12 of 1,611,570 alleles (0.00074%); highest among the groups gnomAD compares: Non-Finnish European, 0.00085%; no homozygotes.

Submissions (7):

Labcorp Genetics (formerly Invitae), Labcorp
Classification: Uncertain significance for Hereditary pheochromocytoma and paraganglioma. Last evaluated: 2025-11-17. Review status: criteria provided, single submitter. Criteria: Invitae Variant Classification Sherloc (09022015). Collection method: clinical testing. Allele origin: germline.
Comment: This sequence change replaces tyrosine, which is neutral and polar, with cysteine, which is neutral and slightly polar, at codon 74 of the TMEM127 protein (p.Tyr74Cys). This variant is present in population databases (rs747804736, gnomAD 0.006%). This missense change has been observed in individual(s) with pheochromocytoma (PMID: 32575117). ClinVar contains an entry for this variant (Variation ID: 658083). An algorithm developed to predict the effect of missense changes on protein structure and function (PolyPhen-2) suggests that this variant is likely to be tolerated. In summary, the available evidence is currently insufficient to determine the role of this variant in disease. Therefore, it has been classified as a Variant of Uncertain Significance.

Ambry Genetics
Classification: Uncertain significance for Hereditary cancer-predisposing syndrome. Last evaluated: 2025-02-13. Review status: criteria provided, single submitter. Criteria: Ambry Variant Classification Scheme 2023. Collection method: clinical testing. Allele origin: germline.
Comment: The p.Y74C variant (also known as c.221A>G), located in coding exon 1 of the TMEM127 gene, results from an A to G substitution at nucleotide position 221. The tyrosine at codon 74 is replaced by cysteine, an amino acid with highly dissimilar properties. This amino acid position is highly conserved in available vertebrate species. In addition, the in silico prediction for this alteration is inconclusive. Since supporting evidence is limited at this time, the clinical significance of this alteration remains unclear.

Quest Diagnostics Nichols Institute San Juan Capistrano
Classification: Uncertain significance. Last evaluated: 2024-04-14. Review status: criteria provided, single submitter. Criteria: Quest Diagnostics criteria. Collection method: clinical testing. Allele origin: unknown.
Comment: The TMEM127 c.221A>G (p.Tyr74Cys) variant has been reported in the published literature in an individual with pheochromocytoma (PMID: 32575117 (2020)) and in another individual with a personal or family history of cancer (PMID: 28717660 (2017)). The frequency of this variant in the general population, 0.000055 (6/108354 chromosomes (Genome Aggregation Database)), is uninformative in the assessment of its pathogenicity. Analysis of this variant using bioinformatics tools for the prediction of the effect of amino acid changes on protein structure and function yielded conflicting predictions that this variant is deleterious or benign. Based on the available information, we are unable to determine the clinical significance of this variant.

GeneDx
Classification: Uncertain significance. Last evaluated: 2023-12-28. Review status: criteria provided, single submitter. Criteria: GeneDx Variant Classification Process June 2021. Collection method: clinical testing. Allele origin: germline. Affected: yes.
Comment: In silico analysis supports that this missense variant has a deleterious effect on protein structure/function; Published functional studies demonstrate this variant does not impact protein abundance or subcellular localization (PMID: 32575117); This variant is associated with the following publications: (PMID: 25720320, 32575117, 28717660)

Baylor Genetics
Classification: Uncertain significance for Pheochromocytoma. Last evaluated: 2023-12-04. Review status: criteria provided, single submitter. Criteria: ACMG Guidelines, 2015. Collection method: clinical testing. Allele origin: unknown.

Blueprint Genetics
Classification: Uncertain significance. Last evaluated: 2023-08-03. Review status: criteria provided, single submitter. Criteria: ACMG Guidelines, 2015. Collection method: clinical testing. Allele origin: germline.

Institute for Clinical Genetics, University Hospital TU Dresden, University Hospital TU Dresden
Classification: Uncertain significance. Last evaluated: 2021-11-03. Review status: criteria provided, single submitter. Criteria: ACMG Guidelines, 2015. Collection method: clinical testing. Allele origin: germline.

Literature cited by the submitters: PubMed 32575117 (cited by Labcorp Genetics (formerly Invitae), Labcorp and Quest Diagnostics Nichols Institute San Juan Capistrano); PubMed 28717660 (cited by Quest Diagnostics Nichols Institute San Juan Capistrano).

NM_017849.4(TMEM127):c.221A>G (p.Tyr74Cys)

Gene: TMEM127 (transmembrane protein 127; minus strand). Cytogenetic location: 2q11.2.
Variant type: single nucleotide variant.
Coding change: c.221A>G on transcript NM_017849.4 (MANE Select); coding-DNA position 221, A replaced by G.
Protein change: p.Tyr74Cys; replaces tyrosine 74 with cysteine.
Molecular consequence: missense variant.
Genome position (GRCh38, 1-based): chr2:96,265,161, T>C on the plus strand (A>G on the coding strand, the complement: TMEM127 is on the minus strand). VCF-style: chr2-96265161-T-C. GRCh37 (hg19) VCF-style: chr2-96930899-T-C.
Other names: c.221A>G (NM_017849.1); c.221A>G, p.Tyr74Cys (NM_001193304.3); short protein forms Y74C.
Identifiers: ClinVar variation 658083 (VCV000658083.18), dbSNP rs747804736, ClinGen allele CA1777381.